The following is an entry in ClinVar:

ClinVar aggregate classification (germline): Likely benign. Review status: criteria provided, multiple submitters, no conflicts (2 of 4 stars). 2 submissions from 2 submitters: Likely benign (2). Last evaluated 2025-09-05.

Submissions (2):

Women's Health and Genetics/Laboratory Corporation of America, LabCorp
Classification: Likely benign. Last evaluated: 2025-09-05. Review status: criteria provided, single submitter. Criteria: LabCorp Variant Classification Summary - May 2015. Collection method: clinical testing. Allele origin: germline.
Comment: Variant summary: DDX11 c.930G>A results in a synonymous change. The frequency data for this variant in gnomAD is considered unreliable, as metrics indicate poor data quality at this position. To our knowledge, no occurrence of c.930G>A in individuals affected with DDX11-related conditions and no experimental evidence demonstrating its impact on protein function have been reported. No submitters have cited clinical-significance assessments for this variant to ClinVar. Based on the evidence outlined above, the variant was classified as likely benign.

Blueprint Genetics
Classification: Likely benign. Last evaluated: 2024-11-27. Review status: criteria provided, single submitter. Criteria: ACMG Guidelines, 2015. Collection method: clinical testing. Allele origin: germline.

NM_030653.4(DDX11):c.930G>A (p.Glu310=)

Gene: DDX11 (DEAD/H-box helicase 11; plus strand). Cytogenetic location: 12p11.21.
Variant type: single nucleotide variant.
Coding change: c.930G>A on transcript NM_030653.4 (MANE Select); coding-DNA position 930, G replaced by A.
Protein change: p.Glu310=; no amino-acid change (glutamic acid 310 retained).
Molecular consequence: synonymous variant. On other transcripts: 5 prime UTR variant (1), non-coding transcript variant (4).
Genome position (GRCh38, 1-based): chr12:31,089,935, G>A. VCF-style: chr12-31089935-G-A. GRCh37 (hg19) VCF-style: chr12-31242869-G-A.
Other names: c.930G>A, p.Glu310= (NM_001257144.2, NM_001413692.1, NM_001413693.1 and 5 more transcripts); c.852G>A, p.Glu284= (NM_001257145.2, NM_001413697.1, NM_001413698.1 and 1 more transcripts); c.843G>A, p.Glu281= (NM_001413700.1); c.402G>A, p.Glu134= (NM_001413702.1, NM_001413703.1); c.69G>A, p.Glu23= (NM_001413704.1, NM_001413705.1); c.-37G>A (NM_001413706.1).
Identifiers: ClinVar variation 4535707 (VCV004535707.2).